The following is an entry in ClinVar:

ClinVar aggregate classification (germline): Benign (1 of 4 stars; one submission).

Allele frequency attached by ClinVar (database versions not stated): gnomAD 0.12125; TOPMed 0.14807; 1000 Genomes Project 30x 0.23532; 1000 Genomes Project 0.23582; ExAC 0.50000.

Submission:

Unidad de Genómica Garrahan, Hospital de Pediatría Garrahan
Classification: Benign. Last evaluated: 2024-01-24. Review status: criteria provided, single submitter. Criteria: ACMG Guidelines, 2015. Collection method: clinical testing. Allele origin: germline. Affected: no. Observed: 42 variant alleles.
Comment: This variant is classified as Benign based on local population frequency. This variant was detected in 48% of patients studied by a panel of primary immunodeficiencies. Number of patients: 42. Only high quality variants are reported.

NM_001561.6(TNFRSF9):c.680-1051A>G

Gene: TNFRSF9 (TNF receptor superfamily member 9; minus strand). Cytogenetic location: 1p36.23.
Variant type: single nucleotide variant.
Coding change: c.680-1051A>G on transcript NM_001561.6 (MANE Select); 1051 bases into the intron before coding-DNA position 680, A replaced by G.
Molecular consequence: intron variant.
Genome position (GRCh38, 1-based): chr1:7,921,974, T>C on the plus strand (A>G on the coding strand, the complement: TNFRSF9 is on the minus strand). VCF-style: chr1-7921974-T-C. GRCh37 (hg19) VCF-style: chr1-7982034-T-C.
Identifiers: ClinVar variation 2688421 (VCV002688421.2), dbSNP rs161827, ClinGen allele CA569140.